The following is an entry in ClinVar:

NM_015541.3(LRIG1):c.2221T>C (p.Leu741=)

Gene: LRIG1 (leucine rich repeats and immunoglobulin like domains 1; minus strand). Cytogenetic location: 3p14.1.
Variant type: single nucleotide variant.
Coding change: c.2221T>C on transcript NM_015541.3 (MANE Select); coding-DNA position 2221, T replaced by C.
Protein change: p.Leu741=; no amino-acid change (leucine 741 retained).
Molecular consequence: synonymous variant.
Genome position (GRCh38, 1-based): chr3:66,383,252, A>G on the plus strand (T>C on the coding strand, the complement: LRIG1 is on the minus strand). VCF-style: chr3-66383252-A-G. GRCh37 (hg19) VCF-style: chr3-66433676-A-G.
Other names: c.2146T>C, p.Leu716= (NM_001377344.1); c.1441T>C, p.Leu481= (NM_001377345.1, NM_001377346.1); c.1219T>C, p.Leu407= (NM_001377347.1); c.1192T>C, p.Leu398= (NM_001377348.1); c.937T>C, p.Leu313= (NM_001377349.1).
Identifiers: ClinVar variation 403054 (VCV000403054.7), dbSNP rs900171, ClinGen allele CA2484441.
Genomic context (GRCh38, chr3:66,383,252, plus strand): 5'-ATCGGCCCGCATCCTCTGCCACCACGTTCTGAACCACCAGGAGCTGGTTGTCAGGGGTCA[A>G]GTGGTGCCGCTCAGTGAGGCTCAGCGGGCGGTCCCCCTTGAACCAGGTGATGCGGGGCGG-3'
Protein context (NP_056356.2, residues 731-751): RPLSLTERHH[Leu741=]TPDNQLLVVQ

ClinVar aggregate classification (germline): Benign. Review status: criteria provided, multiple submitters, no conflicts (2 of 4 stars). 3 submissions from 3 submitters: Benign (2). 1 of the submissions does not count toward it. Last evaluated 2016-03-29.

Conditions:
LRIG1-related disorder. Also called: LRIG1-related condition.

Allele frequency attached by ClinVar (database versions not stated): ESP Exome Variant Server 0.60857; gnomAD exomes 0.62041; ExAC 0.62274; gnomAD 0.62545 and 0.62966; TOPMed 0.63470; 1000 Genomes Project 30x 0.69238; 1000 Genomes Project 0.69449.
gnomAD v4.1: 955,004 of 1,613,978 alleles (59%); highest among the groups gnomAD compares: East Asian, 79%; 285,043 homozygotes.

Submissions (3):

Laboratory for Molecular Medicine, Mass General Brigham Personalized Medicine
Classification: Benign. Last evaluated: 2016-03-29. Review status: criteria provided, single submitter. Criteria: LMM Criteria. Collection method: clinical testing. Allele origin: germline.
Comment: Variant identified in a genome or exome case(s) and assessed due to predicted null impact of the variant or pathogenic assertions in the literature or databases. Disclaimer: This variant has not undergone full assessment. The following are preliminary notes: Frequency

Breakthrough Genomics
Classification: Benign. Review status: criteria provided, single submitter. Criteria: ACMG Guidelines, 2015. Collection method: not provided. Allele origin: germline. Inheritance: Unknown mechanism. Affected: yes.

PreventionGenetics, part of Exact Sciences
Classification: Benign for LRIG1-related condition. Last evaluated: 2019-10-17. Review status: no assertion criteria provided. Collection method: clinical testing. Allele origin: germline. Not counted in ClinVar's aggregate classification.
Comment: This variant is classified as benign based on ACMG/AMP sequence variant interpretation guidelines (Richards et al. 2015 PMID: 25741868, with internal and published modifications).